The following is an entry in ClinVar:

ClinVar aggregate classification (germline): Conflicting classifications of pathogenicity. Review status: criteria provided, conflicting classifications (1 of 4 stars). 2 submissions from 2 submitters: Uncertain significance (1); Likely benign (1). Last evaluated 2023-05-23.

Conditions:
Microcephaly, normal intelligence and immunodeficiency (NBS). Also called: BERLIN BREAKAGE SYNDROME; Ataxia telangiectasia variant V1; IMMUNODEFICIENCY, MICROCEPHALY, AND CHROMOSOMAL INSTABILITY; SEEMANOVA SYNDROME II; Immunodeficiency, microcephaly with normal intelligence; Nijmegen breakage syndrome. Identifiers: Orphanet 647, MedGen C0398791, MONDO:0009623, OMIM 251260.
Hereditary cancer-predisposing syndrome. Also called: Tumor predisposition; Neoplastic Syndromes, Hereditary; Hereditary Cancer Syndrome; Hereditary neoplastic syndrome. Identifiers: Orphanet 140162, MedGen C0027672, MeSH D009386, MONDO:0015356.

Allele frequency attached by ClinVar (database versions not stated): gnomAD exomes below 0.00001 and 0.00001; ExAC 0.00001.
gnomAD v4.1: 2 of 1,607,872 alleles (0.00012%); highest among the groups gnomAD compares: South Asian, 0.0022%; no homozygotes.

Submissions (2):

Labcorp Genetics (formerly Invitae), Labcorp
Classification: Uncertain significance for Microcephaly, normal intelligence and immunodeficiency. Last evaluated: 2023-05-23. Review status: criteria provided, single submitter. Criteria: Invitae Variant Classification Sherloc (09022015). Collection method: clinical testing. Allele origin: germline.
Comment: This sequence change affects codon 745 of the NBN mRNA. It is a 'silent' change, meaning that it does not change the encoded amino acid sequence of the NBN protein. It affects a nucleotide within the consensus splice site. This variant is present in population databases (rs754865465, gnomAD 0.006%). This variant has not been reported in the literature in individuals affected with NBN-related conditions. ClinVar contains an entry for this variant (Variation ID: 492113). Algorithms developed to predict the effect of sequence changes on RNA splicing suggest that this variant is not likely to affect RNA splicing. In summary, the available evidence is currently insufficient to determine the role of this variant in disease. Therefore, it has been classified as a Variant of Uncertain Significance.

Ambry Genetics
Classification: Likely benign for Hereditary cancer-predisposing syndrome. Last evaluated: 2019-05-02. Review status: criteria provided, single submitter. Criteria: Ambry Variant Classification Scheme 2023. Collection method: clinical testing. Allele origin: germline.

NM_002485.5(NBN):c.2235A>G (p.Arg745=)

Gene: NBN (nibrin; minus strand). Cytogenetic location: 8q21.3.
Variant type: single nucleotide variant.
Coding change: c.2235A>G on transcript NM_002485.5 (MANE Select); coding-DNA position 2235, A replaced by G.
Protein change: p.Arg745=; no amino-acid change (arginine 745 retained).
Molecular consequence: synonymous variant.
Genome position (GRCh38, 1-based): chr8:89,935,612, T>C on the plus strand (A>G on the coding strand, the complement: NBN is on the minus strand). VCF-style: chr8-89935612-T-C. GRCh37 (hg19) VCF-style: chr8-90947840-T-C.
Other names: c.1989A>G, p.Arg663= (NM_001024688.3).
Identifiers: ClinVar variation 492113 (VCV000492113.13), dbSNP rs754865465, ClinGen allele CA4802563.